The following is an entry in ClinVar:

ClinVar aggregate classification (germline): Likely benign (1 of 4 stars; one submission).

Allele frequency attached by ClinVar (database versions not stated): gnomAD 0.00007; gnomAD exomes 0.00008; TOPMed 0.00008; ExAC 0.00010; ESP Exome Variant Server 0.00015.
gnomAD v4.1: 137 of 1,613,892 alleles (0.0085%); highest among the groups gnomAD compares: Admixed American, 0.005%; 1 homozygote.

Submission:

CeGaT Center for Human Genetics Tuebingen
Classification: Likely benign. Last evaluated: 2022-07-01. Review status: criteria provided, single submitter. Criteria: CeGaT Center For Human Genetics Tuebingen Variant Classification Criteria Version 2. Collection method: clinical testing. Allele origin: germline. Affected: yes. Observed: 1 variant allele.
Comment: SMARCC2: BP4, BP7

NM_001330288.2(SMARCC2):c.1428C>T (p.Asn476=)

Gene: SMARCC2 (SWI/SNF related BAF chromatin remodeling complex subunit C2; minus strand). Cytogenetic location: 12q13.2.
Variant type: single nucleotide variant.
Coding change: c.1428C>T on transcript NM_001330288.2 (MANE Select); coding-DNA position 1428, C replaced by T.
Protein change: p.Asn476=; no amino-acid change (asparagine 476 retained).
Molecular consequence: synonymous variant.
Genome position (GRCh38, 1-based): chr12:56,174,719, G>A on the plus strand (C>T on the coding strand, the complement: SMARCC2 is on the minus strand). VCF-style: chr12-56174719-G-A. GRCh37 (hg19) VCF-style: chr12-56568503-G-A.
Other names: c.1428C>T, p.Asn476= (NM_001130420.3, NM_003075.5, NM_139067.4).
Identifiers: ClinVar variation 2643081 (VCV002643081.24), dbSNP rs202209873, ClinGen allele CA6626045.
Genomic context (GRCh38, chr12:56,174,719, plus strand): 5'-GGCACAGACATCACCCGCTAGGTTTCGGCGGCAGGCGGTAGAGGTAAGATACTCTTGGGG[G>A]TTCAGTCGGTAAGTGTCAATCATAAAGTTTCGATAGGCCAGGTAGCTTAGAAGAAAGAGA-3'
Protein context (NP_001317217.1, residues 466-486): RNFMIDTYRL[Asn476=]PQEYLTSTAC